The following is an entry in ClinVar:

NM_000138.5(FBN1):c.406dup (p.Cys136fs)

Gene: FBN1 (fibrillin 1; minus strand). Cytogenetic location: 15q21.1.
Variant type: Duplication.
Coding change: c.406dup on transcript NM_000138.5 (MANE Select); coding-DNA position 406, one base duplicated (T; older notation c.406dupT).
Protein change: p.Cys136fs; shifts the reading frame from cysteine 136.
Molecular consequence: frameshift variant.
Genome position (GRCh38, 1-based): chr15:48,600,175, A duplicated on the plus strand (T on the coding strand, the reverse complement: FBN1 is on the minus strand). VCF-style (leftmost placement, unchanged base first): chr15-48600174-C-CA. GRCh37 (hg19) VCF-style: chr15-48892371-C-CA.
Other names: c.406dupT (NM_000138.4); short protein forms C136fs.
Identifiers: ClinVar variation 527211 (VCV000527211.6), dbSNP rs1555405042, ClinGen allele CA658798362.

ClinVar aggregate classification (germline): Pathogenic (1 of 4 stars; one submission).

Conditions:
Familial thoracic aortic aneurysm and aortic dissection (TAAD). Also called: Thoracic aortic aneurysms and dissections. Identifiers: Orphanet 91387, MedGen C4707243, MONDO:0019625.
Marfan syndrome (MFS). Also called: Marfan syndrome type 1; Marfan syndrome, classic; Marfan's syndrome; FBN1-Related Marfan Syndrome; MARFAN SYNDROME, TYPE I. Identifiers: Orphanet 284963, Orphanet 558, MedGen C0024796, MONDO:0007947, OMIM 154700.

Submission:

Labcorp Genetics (formerly Invitae), Labcorp
Classification: Pathogenic for Marfan syndrome; Familial thoracic aortic aneurysm and aortic dissection. Last evaluated: 2017-09-26. Review status: criteria provided, single submitter. Criteria: Invitae Variant Classification Sherloc (09022015). Collection method: clinical testing. Allele origin: germline.
Comment: For these reasons, this variant has been classified as Pathogenic. Loss-of-function variants in FBN1 are known to be pathogenic (PMID: 17657824, 19293843). This variant has not been reported in the literature in individuals with FBN1-related disease. This variant is not present in population databases (ExAC no frequency). This sequence change creates a premature translational stop signal (p.Cys136Leufs*16) in the FBN1 gene. It is expected to result in an absent or disrupted protein product.

Literature cited by the submitters: PubMed 17657824; PubMed 19293843.